The following is an entry in ClinVar:

ClinVar aggregate classification (germline): Uncertain significance (1 of 4 stars; one submission).

Conditions:
Long QT syndrome (LQTS). Identifiers: MedGen C0023976, MeSH D008133, MONDO:0002442. Disease mechanism: loss of function. Inheritance: Various modes of inheritance.

Submission:

Labcorp Genetics (formerly Invitae), Labcorp
Classification: Uncertain significance for Long QT syndrome. Last evaluated: 2022-09-23. Review status: criteria provided, single submitter. Criteria: Invitae Variant Classification Sherloc (09022015). Collection method: clinical testing. Allele origin: germline.
Comment: This sequence change replaces asparagine, which is neutral and polar, with serine, which is neutral and polar, at codon 1427 of the AKAP9 protein (p.Asn1427Ser). This variant is not present in population databases (gnomAD no frequency). This variant has not been reported in the literature in individuals affected with AKAP9-related conditions. Algorithms developed to predict the effect of missense changes on protein structure and function (SIFT, PolyPhen-2, Align-GVGD) all suggest that this variant is likely to be tolerated. In summary, the available evidence is currently insufficient to determine the role of this variant in disease. Therefore, it has been classified as a Variant of Uncertain Significance.

NM_005751.5(AKAP9):c.4280A>G (p.Asn1427Ser)

Gene: AKAP9 (A-kinase anchoring protein 9; plus strand). Cytogenetic location: 7q21.2.
Variant type: single nucleotide variant.
Coding change: c.4280A>G on transcript NM_005751.5 (MANE Select); coding-DNA position 4280, A replaced by G.
Protein change: p.Asn1427Ser; replaces asparagine 1427 with serine.
Molecular consequence: missense variant.
Genome position (GRCh38, 1-based): chr7:92,031,546, A>G. VCF-style: chr7-92031546-A-G. GRCh37 (hg19) VCF-style: chr7-91660860-A-G.
Other names: c.4280A>G, p.Asn1427Ser (NM_147185.3); short protein forms N1427S.
Identifiers: ClinVar variation 1720198 (VCV001720198.5), dbSNP rs2484786962, ClinGen allele CA368128391.
Genomic context (GRCh38, chr7:92,031,546, plus strand): 5'-ATGTCATATTTTGCTTTTAAATGTAGTTTTCTGGTGAATTTGGAGTGAAAGAGGAAACAA[A>G]TATCGTTAAGTTGCTTGAAAAACAATACCAAGAACAATTAGAAGAAGAAGTAGCTAAGGT-3'
Protein context (NP_005742.4, residues 1417-1437): SGEFGVKEET[Asn1427Ser]IVKLLEKQYQ